The following is an entry in ClinVar:

NM_000183.3(HADHB):c.97C>T (p.Arg33Ter)

Gene: HADHB (hydroxyacyl-CoA dehydrogenase trifunctional multienzyme complex subunit beta; plus strand). Cytogenetic location: 2p23.3.
Variant type: single nucleotide variant.
Coding change: c.97C>T on transcript NM_000183.3 (MANE Select); coding-DNA position 97, C replaced by T.
Protein change: p.Arg33Ter; replaces arginine 33 with a stop codon.
Molecular consequence: nonsense. On other transcripts: 5 prime UTR variant (1).
Genome position (GRCh38, 1-based): chr2:26,254,462, C>T. VCF-style: chr2-26254462-C-T. GRCh37 (hg19) VCF-style: chr2-26477330-C-T.
Other names: c.97C>T, p.Arg33Ter (NM_001281512.2); c.-53C>T (NM_001281513.2); short protein forms R33*.
Identifiers: ClinVar variation 1075534 (VCV001075534.10), dbSNP rs752264795, ClinGen allele CA1560084.

ClinVar aggregate classification (germline): Pathogenic. Review status: criteria provided, multiple submitters, no conflicts (2 of 4 stars). 3 submissions from 3 submitters: Pathogenic (3). Last evaluated 2025-12-13.

Conditions:
Mitochondrial trifunctional protein deficiency. Identifiers: Orphanet 746, MedGen C1969443, MONDO:0012172.
Mitochondrial trifunctional protein deficiency 1 (MTPD1). Identifiers: MedGen CN376812, MONDO:0958181, OMIM 609015.
Mitochondrial trifunctional protein deficiency 2 (MTPD2). Identifiers: MedGen C5830374, MONDO:0958185, OMIM 620300.

Allele frequency attached by ClinVar (database versions not stated): ExAC 0.00001; gnomAD exomes 0.00001; gnomAD 0.00002; TOPMed 0.00003.
gnomAD v4.1: 73 of 1,588,054 alleles (0.0046%); highest among the groups gnomAD compares: Non-Finnish European, 0.0061%; no homozygotes.

Submissions (3):

Labcorp Genetics (formerly Invitae), Labcorp
Classification: Pathogenic for Mitochondrial trifunctional protein deficiency. Last evaluated: 2025-12-13. Review status: criteria provided, single submitter. Criteria: Invitae Variant Classification Sherloc (09022015). Collection method: clinical testing. Allele origin: germline.
Comment: This sequence change creates a premature translational stop signal (p.Arg33*) in the HADHB gene. It is expected to result in an absent or disrupted protein product. Loss-of-function variants in HADHB are known to be pathogenic (PMID: 9259266, 12754706). This variant is present in population databases (rs752264795, gnomAD 0.002%). This premature translational stop signal has been observed in individual(s) with clinical features consistent with mitochondrial trifunctional protein deficiency (internal data). In at least one individual the data is consistent with being in trans (on the opposite chromosome) from a pathogenic variant. ClinVar contains an entry for this variant (Variation ID: 1075534). For these reasons, this variant has been classified as Pathogenic.

Genomic Medicine Center of Excellence, King Faisal Specialist Hospital and Research Centre
Classification: Pathogenic for Mitochondrial trifunctional protein deficiency 2. Last evaluated: 2025-09-10. Review status: criteria provided, single submitter. Criteria: ACMG Guidelines, 2015. Collection method: clinical testing. Allele origin: germline.

Baylor Genetics
Classification: Pathogenic for Mitochondrial trifunctional protein deficiency 1. Last evaluated: 2024-03-21. Review status: criteria provided, single submitter. Criteria: ACMG Guidelines, 2015. Collection method: clinical testing. Allele origin: unknown.

Literature cited by the submitters: PubMed 9259266 (cited by Labcorp Genetics (formerly Invitae), Labcorp); PubMed 12754706 (cited by Labcorp Genetics (formerly Invitae), Labcorp).